The following is an entry in ClinVar:

ClinVar aggregate classification (germline): Uncertain significance (1 of 4 stars; one submission).

Conditions:
Primary ciliary dyskinesia. Also called: Ciliary dyskinesia. Identifiers: Orphanet 244, MedGen C0008780, MONDO:0016575, HP:0012265.

gnomAD v4.1: 4 of 1,613,966 alleles (0.00025%); highest among the groups gnomAD compares: Admixed American, 0.0067%; no homozygotes.

Submission:

Labcorp Genetics (formerly Invitae), Labcorp
Classification: Uncertain significance for Primary ciliary dyskinesia. Last evaluated: 2024-01-02. Review status: criteria provided, single submitter. Criteria: Invitae Variant Classification Sherloc (09022015). Collection method: clinical testing. Allele origin: germline.
Comment: This sequence change replaces lysine, which is basic and polar, with glutamine, which is neutral and polar, at codon 140 of the DRC1 protein (p.Lys140Gln). This variant is present in population databases (rs201245045, gnomAD 0.009%). This variant has not been reported in the literature in individuals affected with DRC1-related conditions. ClinVar contains an entry for this variant (Variation ID: 863391). An algorithm developed to predict the effect of missense changes on protein structure and function (PolyPhen-2) suggests that this variant is likely to be disruptive. In summary, the available evidence is currently insufficient to determine the role of this variant in disease. Therefore, it has been classified as a Variant of Uncertain Significance.

NM_145038.5(DRC1):c.418A>C (p.Lys140Gln)

Gene: DRC1 (dynein regulatory complex subunit 1; plus strand). Cytogenetic location: 2p23.3.
Variant type: single nucleotide variant.
Coding change: c.418A>C on transcript NM_145038.5 (MANE Select); coding-DNA position 418, A replaced by C.
Protein change: p.Lys140Gln; replaces lysine 140 with glutamine.
Molecular consequence: missense variant.
Genome position (GRCh38, 1-based): chr2:26,424,332, A>C. VCF-style: chr2-26424332-A-C. GRCh37 (hg19) VCF-style: chr2-26647200-A-C.
Other names: short protein forms K140Q.
Identifiers: ClinVar variation 863391 (VCV000863391.10), dbSNP rs201245045, ClinGen allele CA1561855.